The following is an entry in ClinVar:

ClinVar aggregate classification (germline): Likely benign. Review status: criteria provided, multiple submitters, no conflicts (2 of 4 stars). 2 submissions from 2 submitters: Likely benign (2). Last evaluated 2026-08-11.

Conditions:
BBS1-related disorder. Also called: BBS1-related condition.
Bardet-Biedl syndrome (BBS). Identifiers: Orphanet 110, MedGen C0752166, MONDO:0015229.

Allele frequency attached by ClinVar (database versions not stated): gnomAD 0.00001; TOPMed below 0.00001.

Submissions (2):

PreventionGenetics, part of Exact Sciences
Classification: Likely benign for BBS1-related condition. Last evaluated: 2026-08-11. Review status: criteria provided, single submitter. Criteria: ACMG Guidelines, 2015. Collection method: clinical testing. Allele origin: germline.
Comment: This variant is classified as likely benign based on ACMG/AMP sequence variant interpretation guidelines (Richards et al. 2015 PMID: 25741868, with internal and published modifications).

Labcorp Genetics (formerly Invitae), Labcorp
Classification: Likely benign for Bardet-Biedl syndrome. Last evaluated: 2022-09-19. Review status: criteria provided, single submitter. Criteria: Invitae Variant Classification Sherloc (09022015). Collection method: clinical testing. Allele origin: germline.

NM_024649.5(BBS1):c.1111-6A>T

Genes: BBS1 (Bardet-Biedl syndrome 1; plus strand), ZDHHC24 (zDHHC palmitoyltransferase 24; minus strand). Cytogenetic location: 11q13.2.
Variant type: single nucleotide variant.
Coding change: c.1111-6A>T on transcript NM_024649.5 (MANE Select); 6 bases into the intron before coding-DNA position 1111, A replaced by T.
Molecular consequence: intron variant.
Genome position (GRCh38, 1-based): chr11:66,526,117, A>T. VCF-style: chr11-66526117-A-T. GRCh37 (hg19) VCF-style: chr11-66293588-A-T.
Other names: c.*21+819T>A (NM_001348571.2).
Identifiers: ClinVar variation 1961993 (VCV001961993.6), dbSNP rs1856477858, ClinGen allele CA938983422.